The following is an entry in ClinVar:

ClinVar aggregate classification (germline): Benign/Likely benign. Review status: criteria provided, multiple submitters, no conflicts (2 of 4 stars). 3 submissions from 3 submitters: Benign (2); Likely benign (1). Last evaluated 2022-12-01.

Allele frequency attached by ClinVar (database versions not stated): 1000 Genomes Project 0.00080; 1000 Genomes Project 30x 0.00094; ESP Exome Variant Server 0.00323; TOPMed 0.00326; gnomAD 0.00332 and 0.00338; gnomAD exomes 0.00370 and 0.00383; ExAC 0.00550.

Submissions (3):

CeGaT Center for Human Genetics Tuebingen
Classification: Likely benign. Last evaluated: 2022-12-01. Review status: criteria provided, single submitter. Criteria: CeGaT Center For Human Genetics Tuebingen Variant Classification Criteria Version 2. Collection method: clinical testing. Allele origin: germline. Affected: yes. Observed: 1 variant allele.
Comment: TIMCC: BP4, BP7, BS2

Labcorp Genetics (formerly Invitae), Labcorp
Classification: Benign. Last evaluated: 2018-06-19. Review status: criteria provided, single submitter. Criteria: Invitae Variant Classification Sherloc (09022015). Collection method: clinical testing. Allele origin: germline.

Breakthrough Genomics
Classification: Benign. Review status: criteria provided, single submitter. Criteria: ACMG Guidelines, 2015. Collection method: not provided. Allele origin: germline. Inheritance: Unknown mechanism. Affected: yes.

NM_001329752.2(TIMCC):c.72C>T (p.Asn24=)

Gene: TIMCC (TIM double twin CX3C motif chaperone; minus strand). Cytogenetic location: 2p13.3.
Variant type: single nucleotide variant.
Coding change: c.72C>T on transcript NM_001329752.2 (MANE Select); coding-DNA position 72, C replaced by T.
Protein change: p.Asn24=; no amino-acid change (asparagine 24 retained).
Molecular consequence: synonymous variant. On other transcripts: 5 prime UTR variant (3).
Genome position (GRCh38, 1-based): chr2:70,301,940, G>A on the plus strand (C>T on the coding strand, the complement: TIMCC is on the minus strand). VCF-style: chr2-70301940-G-A. GRCh37 (hg19) VCF-style: chr2-70529072-G-A.
Other names: c.72C>T, p.Asn24= (NM_001329753.2, NM_032822.3); c.-645C>T (NM_001329755.2); c.-218C>T (NM_001329757.2); c.-104C>T (NM_001329758.2).
Identifiers: ClinVar variation 719332 (VCV000719332.28), dbSNP rs11540071, ClinGen allele CA1698585.